The following is an entry in ClinVar:

NM_000540.3(RYR1):c.13379C>T (p.Thr4460Met)

Gene: RYR1 (ryanodine receptor 1; plus strand). Cytogenetic location: 19q13.2.
Variant type: single nucleotide variant.
Coding change: c.13379C>T on transcript NM_000540.3 (MANE Select); coding-DNA position 13379, C replaced by T.
Protein change: p.Thr4460Met; replaces threonine 4460 with methionine.
Molecular consequence: missense variant.
Genome position (GRCh38, 1-based): chr19:38,565,713, C>T. VCF-style: chr19-38565713-C-T. GRCh37 (hg19) VCF-style: chr19-39056353-C-T.
Other names: c.13364C>T, p.Thr4455Met (NM_001042723.2); short protein forms T4460M, T4455M.
Identifiers: ClinVar variation 572735 (VCV000572735.10), dbSNP rs955320442, ClinGen allele CA308109722.

ClinVar aggregate classification (germline): Uncertain significance. Review status: criteria provided, multiple submitters, no conflicts (2 of 4 stars). 4 submissions from 4 submitters: Uncertain significance (4). Last evaluated 2025-12-29.

Conditions:
RYR1-related disorder. Also called: RYR1-related condition; RYR1-related disorders. Identifiers: MedGen CN239331.
Inborn genetic diseases. Identifiers: MedGen C0950123, MeSH D030342.
Malignant hyperthermia, susceptibility to, 1 (MHS1). Also called: RYR1-Related Malignant Hyperthermia Susceptibility; Anesthesia related hyperthermia; Malignant hyperpyrexia; Fulminating hyperpyrexia; Pharmacogenic myopathy; Malignant hyperthermia suceptibility 1. Identifiers: Orphanet 423, MedGen C2930980, MONDO:0007783, OMIM 145600.

Allele frequency attached by ClinVar (database versions not stated): TOPMed 0.00002.
gnomAD v4.1: 42 of 1,426,144 alleles (0.0029%); highest among the groups gnomAD compares: Admixed American, 0.053%; 1 homozygote.

Submissions (4):

Labcorp Genetics (formerly Invitae), Labcorp
Classification: Uncertain significance for RYR1-related disorder. Last evaluated: 2025-12-29. Review status: criteria provided, single submitter. Criteria: Invitae Variant Classification Sherloc (09022015). Collection method: clinical testing. Allele origin: germline.
Comment: This sequence change replaces threonine, which is neutral and polar, with methionine, which is neutral and non-polar, at codon 4460 of the RYR1 protein (p.Thr4460Met). The frequency data for this variant in the population databases is considered unreliable, as metrics indicate poor data quality at this position in the gnomAD database. This variant has not been reported in the literature in individuals affected with RYR1-related conditions. ClinVar contains an entry for this variant (Variation ID: 572735). Invitae Evidence Modeling of protein sequence and biophysical properties (such as structural, functional, and spatial information, amino acid conservation, physicochemical variation, residue mobility, and thermodynamic stability) has been performed for this missense variant. However, the output from this modeling did not meet the statistical confidence thresholds required to predict the impact of this variant on RYR1 protein function. In summary, the available evidence is currently insufficient to determine the role of this variant in disease. Therefore, it has been classified as a Variant of Uncertain Significance.

GeneDx
Classification: Uncertain significance. Last evaluated: 2025-09-23. Review status: criteria provided, single submitter. Criteria: GeneDx Variant Classification Process June 2021. Collection method: clinical testing. Allele origin: germline.
Comment: Not observed at significant frequency in large population cohorts (gnomAD); In silico analysis suggests that this missense variant does not alter protein structure/function; Has not been previously published as pathogenic or benign to our knowledge

Ambry Genetics
Classification: Uncertain significance for Inborn genetic diseases. Last evaluated: 2024-10-25. Review status: criteria provided, single submitter. Criteria: Ambry Variant Classification Scheme 2023. Collection method: clinical testing. Allele origin: germline.

All of Us Research Program, National Institutes of Health
Classification: Uncertain significance for Malignant hyperthermia, susceptibility to, 1. Last evaluated: 2024-08-13. Review status: criteria provided, single submitter. Criteria: ACMG Guidelines, 2015. Collection method: clinical testing. Allele origin: germline. Inheritance: Autosomal dominant inheritance. Observed: 15 variant alleles, 15 heterozygotes.
Comment: This missense variant replaces threonine with methionine at codon 4460 of the RYR1 protein. Computational prediction suggests that this variant may not impact protein structure and function (internally defined REVEL score threshold <= 0.5, PMID: 27666373). To our knowledge, functional studies have not been reported for this variant. This variant has not been reported in individuals affected with RYR1-related disorders in the literature. This variant has been identified in 1/44772 chromosomes in the general population by the Genome Aggregation Database (gnomAD). The available evidence is insufficient to determine the role of this variant in disease conclusively. Therefore, this variant is classified as a Variant of Uncertain Significance.

This study involves interpretation of variants in research participants for the purpose of population health screening. Participant phenotype was not available at the time of variant classification. Additional details can be found in publication PMID: 35346344, PMCID: PMC8962531